The following is an entry in ClinVar:

NM_005338.7(HIP1):c.540C>T (p.Asn180=)

Gene: HIP1 (huntingtin interacting protein 1; minus strand). Cytogenetic location: 7q11.23.
Variant type: single nucleotide variant.
Coding change: c.540C>T on transcript NM_005338.7 (MANE Select); coding-DNA position 540, C replaced by T.
Protein change: p.Asn180=; no amino-acid change (asparagine 180 retained).
Molecular consequence: synonymous variant.
Genome position (GRCh38, 1-based): chr7:75,582,077, G>A on the plus strand (C>T on the coding strand, the complement: HIP1 is on the minus strand). VCF-style: chr7-75582077-G-A. GRCh37 (hg19) VCF-style: chr7-75211393-G-A.
Other names: NC_000007.13:g.75211393G>A; c.540C>T, p.Asn180= (NM_001243198.3).
Identifiers: ClinVar variation 790599 (VCV000790599.31), dbSNP rs148290305, ClinGen allele CA4302596.

ClinVar aggregate classification (germline): Benign. Review status: criteria provided, multiple submitters, no conflicts (2 of 4 stars). 4 submissions from 4 submitters: Benign (3). 1 of the submissions does not count toward it. Last evaluated 2026-02-01.

Conditions:
HIP1-related disorder. Also called: HIP1-related condition.

Allele frequency attached by ClinVar (database versions not stated): gnomAD exomes 0.00031 and 0.00075; ExAC 0.00090; 1000 Genomes Project 0.00120; ESP Exome Variant Server 0.00146; gnomAD 0.00153 and 0.00160; 1000 Genomes Project 30x 0.00172; TOPMed 0.00184.
gnomAD v4.1: 724 of 1,613,452 alleles (0.045%); highest among the groups gnomAD compares: African/African-American, 0.35%; 1 homozygote.

Submissions (6):

CeGaT Center for Human Genetics Tuebingen
Classification: Benign. Last evaluated: 2026-02-01. Review status: criteria provided, single submitter. Criteria: CeGaT Center For Human Genetics Tuebingen Variant Classification Criteria Version 2. Collection method: clinical testing. Allele origin: germline. Affected: yes. Observed: 2 variant alleles.
Comment: HIP1: BS1, BS2

Labcorp Genetics (formerly Invitae), Labcorp
Classification: Benign. Last evaluated: 2019-12-31. Review status: criteria provided, single submitter. Criteria: Invitae Variant Classification Sherloc (09022015). Collection method: clinical testing. Allele origin: germline.

Breakthrough Genomics
Classification: Benign. Review status: criteria provided, single submitter. Criteria: ACMG Guidelines, 2015. Collection method: not provided. Allele origin: germline. Inheritance: Unknown mechanism. Affected: yes.

PreventionGenetics, part of Exact Sciences
Classification: Likely benign for HIP1-related condition. Last evaluated: 2019-07-19. Review status: no assertion criteria provided. Collection method: clinical testing. Allele origin: germline. Not counted in ClinVar's aggregate classification.
Comment: This variant is classified as likely benign based on ACMG/AMP sequence variant interpretation guidelines (Richards et al. 2015 PMID: 25741868, with internal and published modifications).

Dr. Peter K. Rogan Lab, Western University
No classification provided (evidence only). Condition: Lung cancer. Review status: no classification provided. Collection method: in vitro. Allele origin: not applicable. Functional consequence: retained intron. Not counted in ClinVar's aggregate classification.

Dr. Peter K. Rogan Lab, Western University
No classification provided (evidence only). Condition: Uterine corpus endometrial carcinoma. Review status: no classification provided. Collection method: in vitro. Allele origin: not applicable. Functional consequence: retained intron. Not counted in ClinVar's aggregate classification.